The following is an entry in ClinVar:

NM_001378778.1(MPDZ):c.3840G>T (p.Lys1280Asn)

Gene: MPDZ (multiple PDZ domain crumbs cell polarity complex component; minus strand). Cytogenetic location: 9p23.
Variant type: single nucleotide variant.
Coding change: c.3840G>T on transcript NM_001378778.1 (MANE Select); coding-DNA position 3840, G replaced by T.
Protein change: p.Lys1280Asn; replaces lysine 1280 with asparagine.
Molecular consequence: missense variant. On other transcripts: intron variant (14).
Genome position (GRCh38, 1-based): chr9:13,143,466, C>A on the plus strand (G>T on the coding strand, the complement: MPDZ is on the minus strand). VCF-style: chr9-13143466-C-A. GRCh37 (hg19) VCF-style: chr9-13143465-C-A.
Other names: c.3840G>T, p.Lys1280Asn (NM_001330637.2, NM_001375413.1, NM_003829.5); c.3631-3317G>T (NM_001375425.1, NM_001375420.1, NM_001375423.1 and 4 more transcripts); c.3742-3317G>T (NM_001375419.1, NM_001375416.1, NM_001375418.1 and 3 more transcripts); c.3433-3317G>T (NM_001375427.1); short protein forms K1280N.
Identifiers: ClinVar variation 2106936 (VCV002106936.5), dbSNP rs1947996901, ClinGen allele CA372949812.

ClinVar aggregate classification (germline): Uncertain significance. Review status: criteria provided, multiple submitters, no conflicts (2 of 4 stars). 2 submissions from 2 submitters: Uncertain significance (2). Last evaluated 2022-03-04.

Conditions:
Inborn genetic diseases. Identifiers: MedGen C0950123, MeSH D030342.

gnomAD v4.1: 1 of 1,609,920 alleles (0.000062%); highest among the groups gnomAD compares: Non-Finnish European, 0.000085%; no homozygotes.

Submissions (2):

Labcorp Genetics (formerly Invitae), Labcorp
Classification: Uncertain significance. Last evaluated: 2022-03-04. Review status: criteria provided, single submitter. Criteria: Invitae Variant Classification Sherloc (09022015). Collection method: clinical testing. Allele origin: germline.
Comment: In summary, the available evidence is currently insufficient to determine the role of this variant in disease. Therefore, it has been classified as a Variant of Uncertain Significance. Variants that disrupt the consensus splice site are a relatively common cause of aberrant splicing (PMID: 17576681, 9536098). Algorithms developed to predict the effect of sequence changes on RNA splicing suggest that this variant may disrupt the consensus splice site. Algorithms developed to predict the effect of missense changes on protein structure and function are either unavailable or do not agree on the potential impact of this missense change (SIFT: "Deleterious"; PolyPhen-2: "Benign"; Align-GVGD: "Class C0"). This variant has not been reported in the literature in individuals affected with MPDZ-related conditions. This variant is not present in population databases (gnomAD no frequency). This sequence change replaces lysine, which is basic and polar, with asparagine, which is neutral and polar, at codon 1280 of the MPDZ protein (p.Lys1280Asn). This variant also falls at the last nucleotide of exon 27, which is part of the consensus splice site for this exon.

Ambry Genetics
Classification: Uncertain significance for Inborn genetic diseases. Last evaluated: 2021-02-01. Review status: criteria provided, single submitter. Criteria: Ambry Variant Classification Scheme 2023. Collection method: clinical testing. Allele origin: germline.

Literature cited by the submitters: PubMed 17576681 (cited by Labcorp Genetics (formerly Invitae), Labcorp); PubMed 9536098 (cited by Labcorp Genetics (formerly Invitae), Labcorp).